The following is an entry in ClinVar:

NM_012188.5(FOXI1):c.1030A>G (p.Asn344Asp)

Gene: FOXI1 (forkhead box I1; plus strand). Cytogenetic location: 5q35.1.
Variant type: single nucleotide variant.
Coding change: c.1030A>G on transcript NM_012188.5 (MANE Select); coding-DNA position 1030, A replaced by G.
Protein change: p.Asn344Asp; replaces asparagine 344 with aspartic acid.
Molecular consequence: missense variant.
Genome position (GRCh38, 1-based): chr5:170,108,504, A>G. VCF-style: chr5-170108504-A-G. GRCh37 (hg19) VCF-style: chr5-169535508-A-G.
Other names: p.Asn344Asp; c.745A>G, p.Asn249Asp (NM_144769.4); short protein forms N249D, N344D.
Identifiers: ClinVar variation 3379619 (VCV003379619.2).

ClinVar aggregate classification (germline): Uncertain significance. Review status: criteria provided, multiple submitters, no conflicts (2 of 4 stars). 2 submissions from 2 submitters: Uncertain significance (2). Last evaluated 2024-06-03.

Conditions:
Autosomal recessive nonsyndromic hearing loss 4 (DFNB4). Also called: Nonsyndromic enlarged vestibular aqueduct (NSEVA); DEAFNESS, AUTOSOMAL RECESSIVE 4, WITH ENLARGED VESTIBULAR AQUEDUCT, DIGENIC; Deafness, autosomal recessive 4, with enlarged vestibular aqueduct; Deafness, autosomal recessive 4; Enlarged vestibular aqueduct, digenic; FOXI1-Related Pendred Syndrome. Identifiers: Orphanet 90636, MedGen C3538946, MONDO:0010933, OMIM 600791.

gnomAD v4.1: 22 of 1,604,780 alleles (0.0014%); highest among the groups gnomAD compares: Non-Finnish European, 0.0018%; no homozygotes.

Submissions (2):

Mayo Clinic Laboratories, Mayo Clinic
Classification: Uncertain significance. Last evaluated: 2024-06-03. Review status: criteria provided, single submitter. Criteria: ACMG Guidelines, 2015. Collection method: clinical testing. Allele origin: germline. Observed: 1 variant allele.
Comment: BP4

Fulgent Genetics
Classification: Uncertain significance for Autosomal recessive nonsyndromic hearing loss 4. Last evaluated: 2024-05-22. Review status: criteria provided, single submitter. Criteria: ACMG Guidelines, 2015. Collection method: clinical testing. Allele origin: germline.